The following is an entry in ClinVar:

NM_000492.4(CFTR):c.233del (p.Phe78fs)

Gene: CFTR (CF transmembrane conductance regulator; plus strand). Cytogenetic location: 7q31.2.
Variant type: Deletion.
Coding change: c.233del on transcript NM_000492.4 (MANE Select); coding-DNA position 233, one base deleted (T; older notation c.233delT).
Protein change: p.Phe78fs; shifts the reading frame from phenylalanine 78.
Molecular consequence: frameshift variant.
Genome position (GRCh38, 1-based): chr7:117,509,102, T deleted; the last of 6 consecutive T bases (chr7:117,509,097-117,509,102); deleting any one gives the same sequence. VCF-style (leftmost placement, unchanged base first): chr7-117509096-GT-G. GRCh37 (hg19) VCF-style: chr7-117149150-GT-G.
Other names: c.233delT (NM_000492.3); short protein forms F78fs.
Identifiers: ClinVar variation 53476 (VCV000053476.3), dbSNP rs397508360, ClinGen allele CA326795.

ClinVar aggregate classification (germline): Pathogenic/Likely pathogenic. Review status: criteria provided, multiple submitters, no conflicts (2 of 4 stars). 3 submissions from 3 submitters: Pathogenic (2); Likely pathogenic (1). Last evaluated 2025-08-05.

Conditions:
CFTR-related disorder (CFTR-RD). Also called: CFTR-related condition; CFTR-related disorders. Identifiers: MedGen C5924204, MONDO:7770004.
Bronchiectasis with or without elevated sweat chloride 1 (BESC1). Also called: Cystic Fibrosis-Like Syndrome. Identifiers: Orphanet 60033, MedGen C2749757, MONDO:0008887, OMIM 211400.
Cystic fibrosis (CF). Also called: MUCOVISCIDOSIS. Identifiers: Orphanet 586, MedGen C0010674, MONDO:0009061, OMIM 219700. Disease mechanism: loss of function.

Submissions (3):

Natera, Inc.
Classification: Likely pathogenic for CFTR-related disorders. Last evaluated: 2025-08-05. Review status: criteria provided, single submitter. Criteria: Natera Variant Classification Schema (03/2026). Collection method: clinical testing. Allele origin: germline.
Comment: The c.233delT variant in CFTR is a frameshift variant predicted to shift the reading frame beginning at codon 78 and leads to a stop codon 13 codons downstream. This variant is expected to result in nonsense mediated decay, truncation, or a dysfunctional protein product. This variant is rare in the general population with a frequency below the threshold expected for the associated phenotype(s). Given the available evidence, this variant is classified as Likely Pathogenic.

Baylor Genetics
Classification: Pathogenic for Bronchiectasis with or without elevated sweat chloride 1. Last evaluated: 2023-09-21. Review status: criteria provided, single submitter. Criteria: ACMG Guidelines, 2015. Collection method: clinical testing. Allele origin: unknown.

CFTR-France
Classification: Pathogenic for cystic fibrosis. Last evaluated: 2018-01-29. Review status: criteria provided, single submitter. Criteria: Claustres M et al. (Hum Mutat 2017). Collection method: curation. Allele origin: germline. Affected: yes.